The following is an entry in ClinVar:

NM_031935.3(HMCN1):c.10770+3A>T

Gene: HMCN1 (hemicentin 1; plus strand). Cytogenetic location: 1q31.1.
Variant type: single nucleotide variant.
Coding change: c.10770+3A>T on transcript NM_031935.3 (MANE Select); 3 bases into the intron after coding-DNA position 10770, A replaced by T.
Molecular consequence: intron variant.
Genome position (GRCh38, 1-based): chr1:186,103,671, A>T. VCF-style: chr1-186103671-A-T. GRCh37 (hg19) VCF-style: chr1-186072803-A-T.
Identifiers: ClinVar variation 3711557 (VCV003711557.2).

ClinVar aggregate classification (germline): Uncertain significance (1 of 4 stars; one submission).

gnomAD v4.1: 1 of 1,612,306 alleles (0.000062%); no homozygotes.

Submission:

Labcorp Genetics (formerly Invitae), Labcorp
Classification: Uncertain significance. Last evaluated: 2024-12-04. Review status: criteria provided, single submitter. Criteria: Invitae Variant Classification Sherloc (09022015). Collection method: clinical testing. Allele origin: germline.
Comment: This sequence change falls in intron 69 of the HMCN1 gene. It does not directly change the encoded amino acid sequence of the HMCN1 protein. It affects a nucleotide within the consensus splice site. This variant is present in population databases (rs773331038, gnomAD 0.004%). This variant has not been reported in the literature in individuals affected with HMCN1-related conditions. Variants that disrupt the consensus splice site are a relatively common cause of aberrant splicing (PMID: 17576681, 9536098). Algorithms developed to predict the effect of sequence changes on RNA splicing suggest that this variant is not likely to affect RNA splicing. In summary, the available evidence is currently insufficient to determine the role of this variant in disease. Therefore, it has been classified as a Variant of Uncertain Significance.

Literature cited by the submitters: PubMed 17576681; PubMed 9536098.